The following is an entry in ClinVar:

ClinVar aggregate classification (germline): Uncertain significance (1 of 4 stars; one submission).

Conditions:
NRP1-related disorder. Also called: NRP1-related condition.

Allele frequency attached by ClinVar (database versions not stated): gnomAD 0.00005; TOPMed 0.00007; ExAC 0.00008; gnomAD exomes 0.00010.
gnomAD v4.1: 159 of 1,604,628 alleles (0.0099%); highest among the groups gnomAD compares: Non-Finnish European, 0.012%; 1 homozygote.

Submission:

PreventionGenetics, part of Exact Sciences
Classification: Uncertain significance for NRP1-related condition. Last evaluated: 2026-07-30. Review status: criteria provided, single submitter. Criteria: ACMG Guidelines, 2015. Collection method: clinical testing. Allele origin: germline.
Comment: The NRP1 c.1898C>T variant is predicted to result in the amino acid substitution p.Thr633Met. To our knowledge, this variant has not been reported in the literature. This variant is reported in 0.011% of alleles in individuals of European (Non-Finnish) descent in gnomAD, including one homozygote. At this time, the clinical significance of this variant is uncertain due to the absence of conclusive functional and genetic evidence.

NM_003873.7(NRP1):c.1898C>T (p.Thr633Met)

Gene: NRP1 (neuropilin 1; minus strand). Cytogenetic location: 10p11.22.
Variant type: single nucleotide variant.
Coding change: c.1898C>T on transcript NM_003873.7 (MANE Select); coding-DNA position 1898, C replaced by T.
Protein change: p.Thr633Met; replaces threonine 633 with methionine.
Molecular consequence: missense variant. On other transcripts: non-coding transcript variant (1).
Genome position (GRCh38, 1-based): chr10:33,197,676, G>A on the plus strand (C>T on the coding strand, the complement: NRP1 is on the minus strand). VCF-style: chr10-33197676-G-A. GRCh37 (hg19) VCF-style: chr10-33486604-G-A.
Other names: c.1898C>T, p.Thr633Met (NM_001024628.3, NM_001330068.2); c.1793C>T, p.Thr598Met (NM_001024629.3); c.1877C>T, p.Thr626Met (NM_001244972.2, NM_001244973.2); short protein forms T598M, T626M, T633M.
Identifiers: ClinVar variation 3030130 (VCV003030130.3), dbSNP rs201288994, ClinGen allele CA5466371.